The following is an entry in ClinVar:

ClinVar aggregate classification (germline): Uncertain significance. Review status: criteria provided, single submitter (1 of 4 stars). 2 submissions from 2 submitters: Uncertain significance (1). 1 of the submissions does not count toward it. Last evaluated 2024-04-01.

Conditions:
DIAPH3-related disorder. Also called: DIAPH3-related condition.

Submissions (2):

CeGaT Center for Human Genetics Tuebingen
Classification: Uncertain significance. Last evaluated: 2024-04-01. Review status: criteria provided, single submitter. Criteria: CeGaT Center For Human Genetics Tuebingen Variant Classification Criteria Version 2. Collection method: clinical testing. Allele origin: germline. Affected: yes. Observed: 1 variant allele.
Comment: DIAPH3: PM2

PreventionGenetics, part of Exact Sciences
Classification: Uncertain significance for DIAPH3-related condition. Last evaluated: 2024-02-29. Review status: no assertion criteria provided. Collection method: clinical testing. Allele origin: germline. Not counted in ClinVar's aggregate classification.
Comment: The DIAPH3 c.927delA variant is predicted to result in a frameshift and premature protein termination (p.Glu309Glufs*3). To our knowledge, this variant has not been reported in the literature. This variant is reported in 0.0023% of alleles in individuals of European (Non-Finnish) descent in gnomAD. Loss-of-function has not been established as a disease mechanism for this gene, and therefore the clinical significance of this variant is currently uncertain due to the absence of conclusive functional and genetic evidence.

NM_001042517.2(DIAPH3):c.927del (p.Ala310fs)

Gene: DIAPH3 (diaphanous related formin 3; minus strand). Cytogenetic location: 13q21.2.
Variant type: Deletion.
Coding change: c.927del on transcript NM_001042517.2 (MANE Select); coding-DNA position 927, one base deleted (A; older notation c.927delA).
Protein change: p.Ala310fs; shifts the reading frame from alanine 310.
Molecular consequence: frameshift variant.
Genome position (GRCh38, 1-based): chr13:60,008,631, T deleted on the plus strand (A on the coding strand, the reverse complement: DIAPH3 is on the minus strand); the first of 2 consecutive T bases (chr13:60,008,631-60,008,632); deleting either gives the same sequence. VCF-style (leftmost placement, unchanged base first): chr13-60008630-CT-C. GRCh37 (hg19) VCF-style: chr13-60582764-CT-C.
Other names: c.894del, p.Ala299fs (NM_001258366.2); c.789del, p.Ala264fs (NM_001258367.2); c.717del, p.Ala240fs (NM_001258368.2); c.927del, p.Ala310fs (NM_001258369.2); c.138del, p.Ala47fs (NM_001258370.2, NM_030932.4); short protein forms A240fs, A264fs, A299fs, A310fs, A47fs.
Identifiers: ClinVar variation 3044091 (VCV003044091.21), dbSNP rs1416551314, ClinGen allele CA610304154.